The following is an entry in ClinVar:

NM_004927.4(MRPL49):c.463C>T (p.Gln155Ter)

Gene: MRPL49 (mitochondrial ribosomal protein L49; plus strand). Cytogenetic location: 11q13.1.
Variant type: single nucleotide variant.
Coding change: c.463C>T on transcript NM_004927.4 (MANE Select); coding-DNA position 463, C replaced by T.
Protein change: p.Gln155Ter; replaces glutamine 155 with a stop codon.
Molecular consequence: nonsense. On other transcripts: non-coding transcript variant (2).
Genome position (GRCh38, 1-based): chr11:65,125,834, C>T. VCF-style: chr11-65125834-C-T. GRCh37 (hg19) VCF-style: chr11-64893306-C-T.
Other names: short protein forms Q155*.
Identifiers: ClinVar variation 4813537 (VCV004813537.1).

ClinVar aggregate classification (germline): Pathogenic (1 of 4 stars; one submission).

Conditions:
Combined oxidative phosphorylation deficiency 60. Identifiers: MedGen C6012722, MONDO:0978298, OMIM 621195.

gnomAD v4.1: 5 of 1,611,016 alleles (0.00031%); highest among the groups gnomAD compares: Admixed American, 0.0033%; no homozygotes.

Submission:

Mendelics
Classification: Pathogenic for Combined oxidative phosphorylation deficiency 60. Last evaluated: 2026-03-05. Review status: criteria provided, single submitter. Criteria: ACMG Guidelines, 2015. Collection method: clinical testing. Allele origin: unknown.
Comment: Likely pathogenic/Pathogenic according to ACMG criteria.